The following is an entry in ClinVar:

NM_007217.4(PDCD10):c.*285G>T

Gene: PDCD10 (programmed cell death 10; minus strand). Cytogenetic location: 3q26.1.
Variant type: single nucleotide variant.
Coding change: c.*285G>T on transcript NM_007217.4 (MANE Select); 285 bases downstream of the stop codon, G replaced by T.
Molecular consequence: 3 prime UTR variant.
Genome position (GRCh38, 1-based): chr3:167,684,023, C>A on the plus strand (G>T on the coding strand, the complement: PDCD10 is on the minus strand). VCF-style: chr3-167684023-C-A. GRCh37 (hg19) VCF-style: chr3-167401811-C-A.
Other names: c.*285G>T (NM_145859.2, NM_145860.2).
Identifiers: ClinVar variation 344102 (VCV000344102.5), dbSNP rs190941416, ClinGen allele CA10617968.
Genomic context (GRCh38, chr3:167,684,023, plus strand): 5'-ATCTTGCAGCATATCGCTTTCAAGTTAAAATGTCAGAAACAAACACCAATATTTACAATT[C>A]TTTTAAGGAATGTTATATAATGACACATTAAGGCGTAAATTCTTTTGGCTTATAATTCTT-3'

ClinVar aggregate classification (germline): Likely benign (1 of 4 stars; one submission).

Conditions:
Cerebral cavernous malformation 3. Also called: Familial Cerebral Cavernous Malformation 3. Identifiers: Orphanet 221061, MedGen C1864040, MONDO:0011305, OMIM 603285.

Allele frequency attached by ClinVar (database versions not stated): 1000 Genomes Project 30x 0.00078; 1000 Genomes Project 0.00100; TOPMed 0.00203; gnomAD 0.00236 and 0.00245; gnomAD exomes 0.00249.
gnomAD v4.1: 665 of 275,274 alleles (0.24%); highest among the groups gnomAD compares: Non-Finnish European, 0.36%; 3 homozygotes.

Submission:

Illumina Laboratory Services, Illumina
Classification: Likely benign for Cerebral cavernous malformation 3. Last evaluated: 2018-01-13. Review status: criteria provided, single submitter. Criteria: ICSL Variant Classification Criteria 13 December 2019. Collection method: clinical testing. Allele origin: germline.
Comment: This variant was observed in the ICSL laboratory as part of a predisposition screen in an ostensibly healthy population. It had not been previously curated by ICSL or reported in the Human Gene Mutation Database (HGMD: prior to June 1st, 2018), and was therefore a candidate for classification through an automated scoring system. Utilizing variant allele frequency, disease prevalence and penetrance estimates, and inheritance mode, an automated score was calculated to assess if this variant is too frequent to cause the disease. Based on the score and internal cut-off values, a variant classified as likely benign is not then subjected to further curation. The score for this variant resulted in a classification of likely benign for this disease.